The following is an entry in ClinVar:

NM_001195518.2(MICU1):c.626A>T (p.Tyr209Phe)

Gene: MICU1 (mitochondrial calcium uptake 1; minus strand). Cytogenetic location: 10q22.1.
Variant type: single nucleotide variant.
Coding change: c.626A>T on transcript NM_001195518.2 (MANE Select); coding-DNA position 626, A replaced by T.
Protein change: p.Tyr209Phe; replaces tyrosine 209 with phenylalanine.
Molecular consequence: missense variant. On other transcripts: intron variant (1).
Genome position (GRCh38, 1-based): chr10:72,508,181, T>A on the plus strand (A>T on the coding strand, the complement: MICU1 is on the minus strand). VCF-style: chr10-72508181-T-A. GRCh37 (hg19) VCF-style: chr10-74267939-T-A.
Other names: c.644A>T, p.Tyr215Phe (NM_001363513.2); c.632A>T, p.Tyr211Phe (NM_006077.4); c.58+15621A>T (NM_001195519.2); short protein forms Y215F, Y209F, Y211F.
Identifiers: ClinVar variation 2008077 (VCV002008077.4), dbSNP rs1867321047, ClinGen allele CA377393920.
Genomic context (GRCh38, chr10:72,508,181, plus strand): 5'-TCTACAAATGGAAAAAGAAAACGTTTATACTTACTGGAAAGAACAGTTGTGAGGAAAATG[T>A]AGTCTGAAAAGGATATGAGCCCACATTCTCCAAGGGTGTAAAATATACTGCCTTCATCAG-3'
Protein context (NP_001182447.1, residues 199-219): GECGLISFSD[Tyr209Phe]IFLTTVLSTP

ClinVar aggregate classification (germline): Uncertain significance (1 of 4 stars; one submission).

Submission:

Labcorp Genetics (formerly Invitae), Labcorp
Classification: Uncertain significance. Last evaluated: 2023-07-10. Review status: criteria provided, single submitter. Criteria: Invitae Variant Classification Sherloc (09022015). Collection method: clinical testing. Allele origin: germline.
Comment: In summary, the available evidence is currently insufficient to determine the role of this variant in disease. Therefore, it has been classified as a Variant of Uncertain Significance. Advanced modeling of protein sequence and biophysical properties (such as structural, functional, and spatial information, amino acid conservation, physicochemical variation, residue mobility, and thermodynamic stability) performed at Invitae indicates that this missense variant is not expected to disrupt MICU1 protein function. ClinVar contains an entry for this variant (Variation ID: 2008077). This variant has not been reported in the literature in individuals affected with MICU1-related conditions. This variant is not present in population databases (gnomAD no frequency). This sequence change replaces tyrosine, which is neutral and polar, with phenylalanine, which is neutral and non-polar, at codon 211 of the MICU1 protein (p.Tyr211Phe).